The following is an entry in ClinVar:

NM_004004.6(GJB2):c.494G>T (p.Arg165Leu)

Gene: GJB2 (gap junction protein beta 2; minus strand). Cytogenetic location: 13q12.11.
Variant type: single nucleotide variant.
Coding change: c.494G>T on transcript NM_004004.6 (MANE Select); coding-DNA position 494, G replaced by T.
Protein change: p.Arg165Leu; replaces arginine 165 with leucine.
Molecular consequence: missense variant.
Genome position (GRCh38, 1-based): chr13:20,189,088, C>A on the plus strand (G>T on the coding strand, the complement: GJB2 is on the minus strand). VCF-style: chr13-20189088-C-A. GRCh37 (hg19) VCF-style: chr13-20763227-C-A.
Other names: short protein forms R165L.
Identifiers: ClinVar variation 3366819 (VCV003366819.1).

ClinVar aggregate classification (germline): Uncertain significance (1 of 4 stars; one submission).

gnomAD v4.1: 2 of 1,614,068 alleles (0.00012%); no homozygotes.

Submission:

Women's Health and Genetics/Laboratory Corporation of America, LabCorp
Classification: Uncertain significance. Last evaluated: 2024-08-13. Review status: criteria provided, single submitter. Criteria: LabCorp Variant Classification Summary - May 2015. Collection method: clinical testing. Allele origin: germline.
Comment: Variant summary: GJB2 c.494G>T (p.Arg165Leu) results in a non-conservative amino acid change located in the connexin, N-terminal domain (IPR013092) of the encoded protein sequence. Four of five in-silico tools predict a damaging effect of the variant on protein function. The variant was absent in 251134 control chromosomes (gnomAD). The available data on variant occurrences in the general population are insufficient to allow any conclusion about variant significance. To our knowledge, no occurrence of c.494G>T in individuals affected with Non-Syndromic Hearing Loss and no experimental evidence demonstrating its impact on protein function have been reported. No submitters have cited clinical-significance assessments for this variant to ClinVar. Based on the evidence outlined above, the variant was classified as uncertain significance.